The following is an entry in ClinVar:

NM_000051.4(ATM):c.4139A>C (p.His1380Pro)

Gene: ATM (ATM serine/threonine kinase; plus strand). Cytogenetic location: 11q22.3.
Variant type: single nucleotide variant.
Coding change: c.4139A>C on transcript NM_000051.4 (MANE Select); coding-DNA position 4139, A replaced by C.
Protein change: p.His1380Pro; replaces histidine 1380 with proline.
Molecular consequence: missense variant.
Genome position (GRCh38, 1-based): chr11:108,289,006, A>C. VCF-style: chr11-108289006-A-C. GRCh37 (hg19) VCF-style: chr11-108159733-A-C.
Other names: c.4139A>C, p.His1380Pro (NM_001351834.2); short protein forms H1380P.
Identifiers: ClinVar variation 3647643 (VCV003647643.2).

ClinVar aggregate classification (germline): Uncertain significance (1 of 4 stars; one submission).

Conditions:
Ataxia-telangiectasia syndrome (AT). Also called: ATAXIA-TELANGIECTASIA, COMPLEMENTATION GROUP A; ATAXIA-TELANGIECTASIA, FRESNO VARIANT; LOUIS-BAR SYNDROME; Ataxia-telangiectasia, complementation group D; Ataxia-telangiectasia, complementation group E; Cerebello-oculocutaneous telangiectasia. Identifiers: Orphanet 100, MedGen C0004135, MONDO:0008840, OMIM 208900.

Submission:

Labcorp Genetics (formerly Invitae), Labcorp
Classification: Uncertain significance for Ataxia-telangiectasia syndrome. Last evaluated: 2024-06-03. Review status: criteria provided, single submitter. Criteria: Invitae Variant Classification Sherloc (09022015). Collection method: clinical testing. Allele origin: germline.
Comment: This sequence change replaces histidine, which is basic and polar, with proline, which is neutral and non-polar, at codon 1380 of the ATM protein (p.His1380Pro). This variant is not present in population databases (gnomAD no frequency). This variant has not been reported in the literature in individuals affected with ATM-related conditions. An algorithm developed to predict the effect of missense changes on protein structure and function (PolyPhen-2) suggests that this variant is likely to be tolerated. In summary, the available evidence is currently insufficient to determine the role of this variant in disease. Therefore, it has been classified as a Variant of Uncertain Significance.